The following is an entry in ClinVar:

NM_004991.4(MECOM):c.2333G>A (p.Gly778Asp)

Gene: MECOM (MDS1 and EVI1 complex locus; minus strand). Cytogenetic location: 3q26.2.
Variant type: single nucleotide variant.
Coding change: c.2333G>A on transcript NM_004991.4 (MANE Select); coding-DNA position 2333, G replaced by A.
Protein change: p.Gly778Asp; replaces glycine 778 with aspartic acid.
Molecular consequence: missense variant.
Genome position (GRCh38, 1-based): chr3:169,115,539, C>T on the plus strand (G>A on the coding strand, the complement: MECOM is on the minus strand). VCF-style: chr3-169115539-C-T. GRCh37 (hg19) VCF-style: chr3-168833327-C-T.
Other names: c.1964G>A, p.Gly655Asp (NM_001105077.4); c.1769G>A, p.Gly590Asp (NM_001105078.4, NM_001164000.2, NM_001205194.2 and 4 more transcripts); c.1772G>A, p.Gly591Asp (NM_001163999.2, NM_001366467.2, NM_001366468.2 and 1 more transcripts); c.2333G>A, p.Gly778Asp (NM_001366466.2); c.1361G>A, p.Gly454Asp (NM_001366473.2); c.797G>A, p.Gly266Asp (NM_001366474.2); short protein forms G266D, G778D, G454D, G591D, G590D, G655D.
Identifiers: ClinVar variation 3871748 (VCV003871748.1).

ClinVar aggregate classification (germline): Uncertain significance (1 of 4 stars; one submission).

Conditions:
Inborn genetic diseases. Identifiers: MedGen C0950123, MeSH D030342.

gnomAD v4.1: 1 of 1,614,132 alleles (0.000062%); highest among the groups gnomAD compares: Admixed American, 0.0017%; no homozygotes.

Submission:

Ambry Genetics
Classification: Uncertain significance for Inborn genetic diseases. Last evaluated: 2025-01-25. Review status: criteria provided, single submitter. Criteria: Ambry Variant Classification Scheme 2023. Collection method: clinical testing. Allele origin: germline.
Comment: The p.G778D variant (also known as c.2333G>A), located in coding exon 8 of the MECOM gene, results from a G to A substitution at nucleotide position 2333. The glycine at codon 778 is replaced by aspartic acid, an amino acid with similar properties. This amino acid position is conserved. In addition, the in silico prediction for this alteration is inconclusive. Based on the available evidence, the clinical significance of this variant remains unclear.